The following is an entry in ClinVar:

NM_006231.4(POLE):c.62+5G>C

Genes: POLE (DNA polymerase epsilon, catalytic subunit; minus strand), LOC130009266 (ATAC-STARR-seq lymphoblastoid silent region 5123; plus strand). Cytogenetic location: 12q24.33.
Variant type: single nucleotide variant.
Coding change: c.62+5G>C on transcript NM_006231.4 (MANE Select); 5 bases into the intron after coding-DNA position 62, G replaced by C.
Molecular consequence: intron variant.
Genome position (GRCh38, 1-based): chr12:132,687,249, C>G on the plus strand (G>C on the coding strand, the complement: POLE is on the minus strand). VCF-style: chr12-132687249-C-G. GRCh37 (hg19) VCF-style: chr12-133263835-C-G.
Identifiers: ClinVar variation 928704 (VCV000928704.1), dbSNP rs1037695225, ClinGen allele CA1139662993.

ClinVar aggregate classification (germline): Uncertain significance (1 of 4 stars; one submission).

Submission:

Women's Health and Genetics/Laboratory Corporation of America, LabCorp
Classification: Uncertain significance. Last evaluated: 2019-11-05. Review status: criteria provided, single submitter. Criteria: LabCorp Variant Classification Summary - May 2015. Collection method: clinical testing. Allele origin: germline.
Comment: Variant summary: POLE c.62+5G>C alters a non-conserved nucleotide located close to a canonical splice site and therefore could affect mRNA splicing, leading to a significantly altered protein sequence. 5/5 computational tools predict no significant impact on normal splicing. However, these predictions have yet to be confirmed by functional studies. The variant was absent in 102124 control chromosomes (gnomAD). The available data on variant occurrences in the general population are insufficient to allow any conclusion about variant significance. To our knowledge, no occurrence of c.62+5G>C in individuals affected with Colorectal Cancer and no experimental evidence demonstrating its impact on protein function have been reported. Co-occurrence with a pathogenic variant has been reported (BRCA1 c.1016delA, p.Lys339ArgfsX2; internal sample). No clinical diagnostic laboratories have submitted clinical-significance assessments for this variant to ClinVar after 2014. Based on the evidence outlined above, the variant was classified as uncertain significance.